The following is an entry in ClinVar:

ClinVar aggregate classification (germline): Benign. Review status: criteria provided, multiple submitters, no conflicts (2 of 4 stars). 10 submissions from 10 submitters: Benign (8). 2 of the submissions do not count toward it. Last evaluated 2026-02-04.

Conditions:
Autosomal recessive polycystic kidney disease (ARPKD). Also called: AR polycystic kidney disease. Identifiers: Orphanet 731, Orphanet 8378, MedGen C0085548, MeSH D017044, MONDO:0009889.

Allele frequency attached by ClinVar (database versions not stated): 1000 Genomes Project 30x 0.01843; 1000 Genomes Project 0.01857; TOPMed 0.03608; gnomAD 0.03728 and 0.03897; gnomAD exomes 0.03775; ExAC 0.03786; ESP Exome Variant Server 0.04360.
gnomAD v4.1: 83,861 of 1,613,986 alleles (5.2%); highest among the groups gnomAD compares: Non-Finnish European, 6.1%; 2,565 homozygotes.

Submissions (10):

Labcorp Genetics (formerly Invitae), Labcorp
Classification: Benign for Autosomal recessive polycystic kidney disease. Last evaluated: 2026-02-04. Review status: criteria provided, single submitter. Criteria: Invitae Variant Classification Sherloc (09022015). Collection method: clinical testing. Allele origin: germline.

Blueprint Genetics
Classification: Benign. Last evaluated: 2024-11-26. Review status: criteria provided, single submitter. Criteria: ACMG Guidelines, 2015. Collection method: clinical testing. Allele origin: germline.

Mayo Clinic Laboratories, Mayo Clinic
Classification: Benign. Last evaluated: 2022-03-09. Review status: criteria provided, single submitter. Criteria: ACMG Guidelines, 2015. Collection method: clinical testing. Allele origin: germline. Observed: 51 variant alleles.

GeneDx
Classification: Benign. Last evaluated: 2018-07-09. Review status: criteria provided, single submitter. Criteria: GeneDx Variant Classification Process June 2021. Collection method: clinical testing. Allele origin: germline. Affected: yes.

Illumina Laboratory Services, Illumina
Classification: Benign for Polycystic kidney disease 4. Last evaluated: 2018-01-13. Review status: criteria provided, single submitter. Criteria: ICSL Variant Classification Criteria 13 December 2019. Collection method: clinical testing. Allele origin: germline.
Comment: This variant was observed in the ICSL laboratory as part of a predisposition screen in an ostensibly healthy population. It had not been previously curated by ICSL or reported in the Human Gene Mutation Database (HGMD: prior to June 1st, 2018), and was therefore a candidate for classification through an automated scoring system. Utilizing variant allele frequency, disease prevalence and penetrance estimates, and inheritance mode, an automated score was calculated to assess if this variant is too frequent to cause the disease. Based on the score and internal cut-off values, a variant classified as benign is not then subjected to further curation. The score for this variant resulted in a classification of benign for this disease.

Eurofins Ntd Llc (ga)
Classification: Benign. Last evaluated: 2017-01-18. Review status: criteria provided, single submitter. Criteria: EGL Classification Definitions 2015. Collection method: clinical testing. Allele origin: germline. Observed: 18 variant alleles, 17 heterozygotes, 1 homozygote.

Laboratory for Molecular Medicine, Mass General Brigham Personalized Medicine
Classification: Benign. Last evaluated: 2016-03-21. Review status: criteria provided, single submitter. Criteria: LMM Criteria. Collection method: clinical testing. Allele origin: germline. Observed: 1 variant allele.
Comment: p.Leu1252Leu in exon 32 of PKHD1: This variant is not expected to have clinical significance because it does not alter an amino acid residue, is not located wit hin the splice consensus sequence, and has been identified in 5.62% (3725/66314) of European chromosomes by the Exome Aggregation Consortium (ExAC.; dbSNP rs9689306).

PreventionGenetics, part of Exact Sciences
Classification: Benign. Review status: criteria provided, single submitter. Criteria: ACMG Guidelines, 2015. Collection method: clinical testing. Allele origin: germline.

Natera, Inc.
Classification: Benign for Autosomal recessive polycystic kidney disease. Last evaluated: 2017-05-11. Review status: no assertion criteria provided. Collection method: clinical testing. Allele origin: germline. Not counted in ClinVar's aggregate classification.

Department of Pathology and Laboratory Medicine, Sinai Health System
Classification: Benign. Review status: no assertion criteria provided. Collection method: clinical testing. Allele origin: unknown. Affected: yes. Study: The Canadian Open Genetics Repository (COGR). Not counted in ClinVar's aggregate classification.

NM_138694.4(PKHD1):c.3756G>C (p.Leu1252=)

Gene: PKHD1 (PKHD1 ciliary IPT domain containing fibrocystin/polyductin; minus strand). Cytogenetic location: 6p12.2.
Variant type: single nucleotide variant.
Coding change: c.3756G>C on transcript NM_138694.4 (MANE Select); coding-DNA position 3756, G replaced by C.
Protein change: p.Leu1252=; no amino-acid change (leucine 1252 retained).
Molecular consequence: synonymous variant.
Genome position (GRCh38, 1-based): chr6:52,026,054, C>G on the plus strand (G>C on the coding strand, the complement: PKHD1 is on the minus strand). VCF-style: chr6-52026054-C-G. GRCh37 (hg19) VCF-style: chr6-51890852-C-G.
Other names: p.Leu1252=; c.3756G>C, p.Leu1252= (NM_170724.3).
Identifiers: ClinVar variation 167488 (VCV000167488.32), dbSNP rs9689306, ClinGen allele CA180310.